The following is an entry in ClinVar:

ClinVar aggregate classification (germline): Uncertain significance (1 of 4 stars; one submission).

Submission:

Labcorp Genetics (formerly Invitae), Labcorp
Classification: Uncertain significance. Last evaluated: 2022-03-18. Review status: criteria provided, single submitter. Criteria: Invitae Variant Classification Sherloc (09022015). Collection method: clinical testing. Allele origin: germline.
Comment: This sequence change falls in intron 19 of the COL11A2 gene. It does not directly change the encoded amino acid sequence of the COL11A2 protein. It affects a nucleotide within the consensus splice site. This variant is not present in population databases (gnomAD no frequency). This variant has not been reported in the literature in individuals affected with COL11A2-related conditions. Variants that disrupt the consensus splice site are a relatively common cause of aberrant splicing (PMID: 17576681, 9536098). Algorithms developed to predict the effect of sequence changes on RNA splicing suggest that this variant may disrupt the consensus splice site. In summary, the available evidence is currently insufficient to determine the role of this variant in disease. Therefore, it has been classified as a Variant of Uncertain Significance.

Literature cited by the submitters: PubMed 17576681; PubMed 9536098.

NM_080680.3(COL11A2):c.1773+5G>A

Gene: COL11A2 (collagen type XI alpha 2 chain; minus strand). Cytogenetic location: 6p21.32.
Variant type: single nucleotide variant.
Coding change: c.1773+5G>A on transcript NM_080680.3 (MANE Select); 5 bases into the intron after coding-DNA position 1773, G replaced by A.
Molecular consequence: intron variant.
Genome position (GRCh38, 1-based): chr6:33,178,430, C>T on the plus strand (G>A on the coding strand, the complement: COL11A2 is on the minus strand). VCF-style: chr6-33178430-C-T. GRCh37 (hg19) VCF-style: chr6-33146207-C-T.
Other names: c.1452+5G>A (NM_080679.3); c.1515+5G>A (NM_080681.3).
Identifiers: ClinVar variation 2112398 (VCV002112398.4), dbSNP rs1562357485, ClinGen allele CA1619900046.